The following is an entry in ClinVar:

ClinVar aggregate classification (germline): Benign/Likely benign. Review status: criteria provided, multiple submitters, no conflicts (2 of 4 stars). 6 submissions from 6 submitters: Benign (3); Likely benign (3). Last evaluated 2025-10-09.

Conditions:
Spinocerebellar ataxia 42, early-onset, severe, with neurodevelopmental deficits. Identifiers: MedGen C4748120, MONDO:0060758, OMIM 618087.
Spinocerebellar ataxia type 42. Identifiers: Orphanet 458803, MedGen C4225205, MONDO:0014776, OMIM 616795.

Allele frequency attached by ClinVar (database versions not stated): gnomAD exomes 0.00101; ExAC 0.00226; ESP Exome Variant Server 0.00415; gnomAD 0.00421 and 0.00445; TOPMed 0.00511; 1000 Genomes Project 0.00519; 1000 Genomes Project 30x 0.00562.
gnomAD v4.1: 1,318 of 1,553,872 alleles (0.085%); highest among the groups gnomAD compares: African/African-American, 1.5%; 14 homozygotes.

Submissions (6):

Labcorp Genetics (formerly Invitae), Labcorp
Classification: Benign. Last evaluated: 2025-10-09. Review status: criteria provided, single submitter. Criteria: Invitae Variant Classification Sherloc (09022015). Collection method: clinical testing. Allele origin: germline.

Mayo Clinic Laboratories, Mayo Clinic
Classification: Benign. Last evaluated: 2024-06-04. Review status: criteria provided, single submitter. Criteria: ACMG Guidelines, 2015. Collection method: clinical testing. Allele origin: germline. Observed: 3 variant alleles.
Comment: BS1, BS2

CeGaT Center for Human Genetics Tuebingen
Classification: Benign. Last evaluated: 2023-12-01. Review status: criteria provided, single submitter. Criteria: CeGaT Center For Human Genetics Tuebingen Variant Classification Criteria Version 2. Collection method: clinical testing. Allele origin: germline. Affected: yes. Observed: 1 variant allele.
Comment: CACNA1G: BS1, BS2

Fulgent Genetics
Classification: Likely benign for Spinocerebellar ataxia type 42; Spinocerebellar ataxia 42, early-onset, severe, with neurodevelopmental deficits. Last evaluated: 2022-05-17. Review status: criteria provided, single submitter. Criteria: ACMG Guidelines, 2015. Collection method: clinical testing. Allele origin: unknown.

GeneDx
Classification: Likely benign. Last evaluated: 2021-04-11. Review status: criteria provided, single submitter. Criteria: GeneDx Variant Classification Process June 2021. Collection method: clinical testing. Allele origin: germline. Affected: yes.

Breakthrough Genomics
Classification: Likely benign. Review status: criteria provided, single submitter. Criteria: ACMG Guidelines, 2015. Collection method: not provided. Allele origin: germline. Inheritance: Autosomal dominant inheritance. Affected: yes.

NM_018896.5(CACNA1G):c.1589G>A (p.Arg530His)

Gene: CACNA1G (calcium voltage-gated channel subunit alpha1 G; plus strand). Cytogenetic location: 17q21.33.
Variant type: single nucleotide variant.
Coding change: c.1589G>A on transcript NM_018896.5 (MANE Select); coding-DNA position 1589, G replaced by A.
Protein change: p.Arg530His; replaces arginine 530 with histidine.
Molecular consequence: missense variant. On other transcripts: non-coding transcript variant (5).
Genome position (GRCh38, 1-based): chr17:50,575,991, G>A. VCF-style: chr17-50575991-G-A. GRCh37 (hg19) VCF-style: chr17-48653352-G-A.
Other names: p.Arg530His; c.1589G>A, p.Arg530His (NM_001256324.2, NM_001256325.2, NM_001256326.2 and 24 more transcripts); short protein forms R530H.
Identifiers: ClinVar variation 790179 (VCV000790179.35), dbSNP rs7222276, ClinGen allele CA8652197.